The following is an entry in ClinVar:

ClinVar aggregate classification (germline): Uncertain significance (1 of 4 stars; one submission).

Allele frequency attached by ClinVar (database versions not stated): ExAC 0.00001; gnomAD exomes 0.00001.
gnomAD v4.1: 10 of 1,614,168 alleles (0.00062%); highest among the groups gnomAD compares: South Asian, 0.011%; no homozygotes.

Submission:

Labcorp Genetics (formerly Invitae), Labcorp
Classification: Uncertain significance. Last evaluated: 2021-12-19. Review status: criteria provided, single submitter. Criteria: Invitae Variant Classification Sherloc (09022015). Collection method: clinical testing. Allele origin: germline.
Comment: Algorithms developed to predict the effect of missense changes on protein structure and function output the following: SIFT: "Tolerated"; PolyPhen-2: "Benign"; Align-GVGD: "Class C0". The serine amino acid residue is found in multiple mammalian species, which suggests that this missense change does not adversely affect protein function. This variant has not been reported in the literature in individuals affected with LAMA1-related conditions. This variant is present in population databases (rs760304768, gnomAD 0.006%). This sequence change replaces proline, which is neutral and non-polar, with serine, which is neutral and polar, at codon 2560 of the LAMA1 protein (p.Pro2560Ser). In summary, the available evidence is currently insufficient to determine the role of this variant in disease. Therefore, it has been classified as a Variant of Uncertain Significance.

NM_005559.4(LAMA1):c.7678C>T (p.Pro2560Ser)

Genes: LAMA1 (laminin subunit alpha 1; minus strand), LOC126862685 (BRD4-independent group 4 enhancer GRCh37_chr18:6958646-6959845; plus strand). Cytogenetic location: 18p11.31.
Variant type: single nucleotide variant.
Coding change: c.7678C>T on transcript NM_005559.4 (MANE Select); coding-DNA position 7678, C replaced by T.
Protein change: p.Pro2560Ser; replaces proline 2560 with serine.
Molecular consequence: missense variant.
Genome position (GRCh38, 1-based): chr18:6,959,441, G>A on the plus strand (C>T on the coding strand, the complement: LAMA1 is on the minus strand). VCF-style: chr18-6959441-G-A. GRCh37 (hg19) VCF-style: chr18-6959440-G-A.
Other names: short protein forms P2560S.
Identifiers: ClinVar variation 1977275 (VCV001977275.5), dbSNP rs760304768, ClinGen allele CA8880819.